The following is an entry in ClinVar:

NM_014845.6(FIG4):c.2445C>G (p.Phe815Leu)

Gene: FIG4 (FIG4 phosphoinositide 5-phosphatase; plus strand). Cytogenetic location: 6q21.
Variant type: single nucleotide variant.
Coding change: c.2445C>G on transcript NM_014845.6 (MANE Select); coding-DNA position 2445, C replaced by G.
Protein change: p.Phe815Leu; replaces phenylalanine 815 with leucine.
Molecular consequence: missense variant.
Genome position (GRCh38, 1-based): chr6:109,792,650, C>G. VCF-style: chr6-109792650-C-G. GRCh37 (hg19) VCF-style: chr6-110113853-C-G.
Other names: short protein forms F815L.
Identifiers: ClinVar variation 1713386 (VCV001713386.6), dbSNP rs1778168608, ClinGen allele CA365217885.

ClinVar aggregate classification (germline): Uncertain significance. Review status: criteria provided, multiple submitters, no conflicts (2 of 4 stars). 2 submissions from 2 submitters: Uncertain significance (2). Last evaluated 2022-07-22.

Conditions:
Inborn genetic diseases. Identifiers: MedGen C0950123, MeSH D030342.
Charcot-Marie-Tooth disease type 4. Also called: Charcot-Marie-Tooth, Type 4; Charcot-Marie-Tooth disease, type IV. Identifiers: Orphanet 64749, MedGen C4082197, MONDO:0018995.

Submissions (2):

Labcorp Genetics (formerly Invitae), Labcorp
Classification: Uncertain significance for Charcot-Marie-Tooth disease type 4. Last evaluated: 2022-07-22. Review status: criteria provided, single submitter. Criteria: Invitae Variant Classification Sherloc (09022015). Collection method: clinical testing. Allele origin: germline.
Comment: In summary, the available evidence is currently insufficient to determine the role of this variant in disease. Therefore, it has been classified as a Variant of Uncertain Significance. Algorithms developed to predict the effect of missense changes on protein structure and function output the following: SIFT: "Tolerated"; PolyPhen-2: "Benign"; Align-GVGD: "Class C0". The leucine amino acid residue is found in multiple mammalian species, which suggests that this missense change does not adversely affect protein function. This variant has not been reported in the literature in individuals affected with FIG4-related conditions. This variant is not present in population databases (gnomAD no frequency). This sequence change replaces phenylalanine, which is neutral and non-polar, with leucine, which is neutral and non-polar, at codon 815 of the FIG4 protein (p.Phe815Leu).

Ambry Genetics
Classification: Uncertain significance for Inborn genetic diseases. Last evaluated: 2020-12-24. Review status: criteria provided, single submitter. Criteria: Ambry Variant Classification Scheme 2023. Collection method: clinical testing. Allele origin: germline.
Comment: The p.F815L variant (also known as c.2445C>G), located in coding exon 21 of the FIG4 gene, results from a C to G substitution at nucleotide position 2445. The phenylalanine at codon 815 is replaced by leucine, an amino acid with highly similar properties. This amino acid position is poorly conserved in available vertebrate species. In addition, this alteration is predicted to be tolerated by in silico analysis. Since supporting evidence is limited at this time, the clinical significance of this alteration remains unclear.